The following is an entry in ClinVar:

NM_015443.4(KANSL1):c.1111C>G (p.Leu371Val)

Gene: KANSL1 (KAT8 regulatory NSL complex subunit 1). Cytogenetic location: 17q21.31.
Variant type: single nucleotide variant.
Coding change: c.1111C>G on transcript NM_015443.4 (MANE Select); coding-DNA position 1111, C replaced by G.
Protein change: p.Leu371Val; replaces leucine 371 with valine.
Molecular consequence: missense variant.
Genome position (GRCh38, 1-based): chr17:46,171,033, G>C on the plus strand (C>G on the coding strand, the complement: KANSL1 is on the minus strand). VCF-style: chr17-46171033-G-C. GRCh37 (hg19) VCF-style: chr17-44248399-G-C.
Other names: c.1111C>G, p.Leu371Val (NM_001193465.2, NM_001193466.2, NM_001379198.1); short protein forms L371V.
Identifiers: ClinVar variation 1690600 (VCV001690600.2), dbSNP rs943298404, ClinGen allele CA399979221.

ClinVar aggregate classification (germline): Uncertain significance (1 of 4 stars; one submission).

Submission:

Laboratorio de Genetica e Diagnostico Molecular, Hospital Israelita Albert Einstein
Classification: Uncertain significance. Last evaluated: 2022-04-06. Review status: criteria provided, single submitter. Criteria: ACMG Guidelines, 2015. Collection method: clinical testing. Allele origin: germline. Affected: yes.
Comment: ACMG classification criteria: PM2, BP4